The following is an entry in ClinVar:

NM_152703.5(SAMD9L):c.1861A>T (p.Ile621Phe)

Gene: SAMD9L (sterile alpha motif domain containing 9 like; minus strand). Cytogenetic location: 7q21.2.
Variant type: single nucleotide variant.
Coding change: c.1861A>T on transcript NM_152703.5 (MANE Select); coding-DNA position 1861, A replaced by T.
Protein change: p.Ile621Phe; replaces isoleucine 621 with phenylalanine.
Molecular consequence: missense variant.
Genome position (GRCh38, 1-based): chr7:93,134,111, T>A on the plus strand (A>T on the coding strand, the complement: SAMD9L is on the minus strand). VCF-style: chr7-93134111-T-A. GRCh37 (hg19) VCF-style: chr7-92763424-T-A.
Other names: c.1861A>T, p.Ile621Phe (NM_001303496.3, NM_001303497.3, NM_001303498.3 and 5 more transcripts); short protein forms I621F.
Identifiers: ClinVar variation 4630168 (VCV004630168.1).

ClinVar aggregate classification (germline): Uncertain significance (1 of 4 stars; one submission).

Conditions:
Inborn genetic diseases. Identifiers: MedGen C0950123, MeSH D030342.

gnomAD v4.1: 4 of 1,613,858 alleles (0.00025%); highest among the groups gnomAD compares: African/African-American, 0.0053%; no homozygotes.

Submission:

Ambry Genetics
Classification: Uncertain significance for Inborn genetic diseases. Last evaluated: 2025-12-11. Review status: criteria provided, single submitter. Criteria: Ambry Variant Classification Scheme 2023. Collection method: clinical testing. Allele origin: germline.
Comment: The p.I621F variant (also known as c.1861A>T), located in coding exon 1 of the SAMD9L gene, results from an A to T substitution at nucleotide position 1861. The isoleucine at codon 621 is replaced by phenylalanine, an amino acid with highly similar properties. This amino acid position is conserved. In addition, this alteration is predicted to be tolerated by in silico analysis. Based on the available evidence, the clinical significance of this variant remains unclear.